The following is an entry in ClinVar:

ClinVar aggregate classification (germline): Uncertain significance. Review status: criteria provided, multiple submitters, no conflicts (2 of 4 stars). 2 submissions from 2 submitters: Uncertain significance (2). Last evaluated 2025-11-06.

Conditions:
Aortic valve disease 2 (AOVD2). Identifiers: MedGen C3542024, MONDO:0013902, OMIM 614823.
Inborn genetic diseases. Identifiers: MedGen C0950123, MeSH D030342.

Allele frequency attached by ClinVar (database versions not stated): gnomAD 0.00001 and 0.00005; gnomAD exomes 0.00001 and 0.00003; TOPMed 0.00002; ExAC 0.00006; 1000 Genomes Project 0.00140; 1000 Genomes Project 30x 0.00156.
gnomAD v4.1: 28 of 1,613,710 alleles (0.0017%); highest among the groups gnomAD compares: Admixed American, 0.042%; 2 homozygotes.

Submissions (2):

Labcorp Genetics (formerly Invitae), Labcorp
Classification: Uncertain significance for Aortic valve disease 2. Last evaluated: 2025-11-06. Review status: criteria provided, single submitter. Criteria: Invitae Variant Classification Sherloc (09022015). Collection method: clinical testing. Allele origin: germline.
Comment: This sequence change replaces asparagine, which is neutral and polar, with lysine, which is basic and polar, at codon 307 of the SMAD6 protein (p.Asn307Lys). This variant is present in population databases (rs191287350, gnomAD 0.01%). This variant has not been reported in the literature in individuals affected with SMAD6-related conditions. ClinVar contains an entry for this variant (Variation ID: 1063797). Invitae Evidence Modeling of protein sequence and biophysical properties (such as structural, functional, and spatial information, amino acid conservation, physicochemical variation, residue mobility, and thermodynamic stability) indicates that this missense variant is not expected to disrupt SMAD6 protein function with a negative predictive value of 80%. In summary, the available evidence is currently insufficient to determine the role of this variant in disease. Therefore, it has been classified as a Variant of Uncertain Significance.

Ambry Genetics
Classification: Uncertain significance for Inborn genetic diseases. Last evaluated: 2023-05-11. Review status: criteria provided, single submitter. Criteria: Ambry Variant Classification Scheme 2023. Collection method: clinical testing. Allele origin: germline.
Comment: The p.N307K variant (also known as c.921C>A), located in coding exon 3 of the SMAD6 gene, results from a C to A substitution at nucleotide position 921. The asparagine at codon 307 is replaced by lysine, an amino acid with similar properties. This amino acid position is conserved. In addition, the in silico prediction for this alteration is inconclusive. Since supporting evidence is limited at this time, the clinical significance of this alteration remains unclear.

NM_005585.5(SMAD6):c.921C>A (p.Asn307Lys)

Gene: SMAD6 (SMAD family member 6; plus strand). Cytogenetic location: 15q22.31.
Variant type: single nucleotide variant.
Coding change: c.921C>A on transcript NM_005585.5 (MANE Select); coding-DNA position 921, C replaced by A.
Protein change: p.Asn307Lys; replaces asparagine 307 with lysine.
Molecular consequence: missense variant. On other transcripts: non-coding transcript variant (1).
Genome position (GRCh38, 1-based): chr15:66,716,467, C>A. VCF-style: chr15-66716467-C-A. GRCh37 (hg19) VCF-style: chr15-67008805-C-A.
Other names: c.921C>A (NM_005585.4); short protein forms N307K.
Identifiers: ClinVar variation 1063797 (VCV001063797.10), dbSNP rs191287350, ClinGen allele CA7626648.